The following is an entry in ClinVar:

ClinVar aggregate classification (germline): Likely benign (0 of 4 stars; one submission).

Conditions:
ZNF462-related disorder. Also called: ZNF462 related disease; ZNF462-related condition.

Allele frequency attached by ClinVar (database versions not stated): gnomAD exomes below 0.00001; ExAC 0.00001; gnomAD 0.00006; TOPMed 0.00008; ESP Exome Variant Server 0.00015.
gnomAD v4.1: 17 of 1,614,102 alleles (0.0011%); highest among the groups gnomAD compares: African/African-American, 0.017%; no homozygotes.

Submission:

PreventionGenetics, part of Exact Sciences
Classification: Likely benign for ZNF462-related condition. Last evaluated: 2019-08-13. Review status: no assertion criteria provided. Collection method: clinical testing. Allele origin: germline.
Comment: This variant is classified as likely benign based on ACMG/AMP sequence variant interpretation guidelines (Richards et al. 2015 PMID: 25741868, with internal and published modifications).

NM_021224.6(ZNF462):c.2235A>G (p.Thr745=)

Gene: ZNF462 (zinc finger protein 462; plus strand). Cytogenetic location: 9q31.2.
Variant type: single nucleotide variant.
Coding change: c.2235A>G on transcript NM_021224.6 (MANE Select); coding-DNA position 2235, A replaced by G.
Protein change: p.Thr745=; no amino-acid change (threonine 745 retained).
Molecular consequence: synonymous variant.
Genome position (GRCh38, 1-based): chr9:106,926,147, A>G. VCF-style: chr9-106926147-A-G. GRCh37 (hg19) VCF-style: chr9-109688428-A-G.
Other names: c.2235A>G, p.Thr745= (NM_001347997.2).
Identifiers: ClinVar variation 3052974 (VCV003052974.2), dbSNP rs147072501, ClinGen allele CA5171466.
Genomic context (GRCh38, chr9:106,926,147, plus strand): 5'-GGAAGAGGAAGACAACGAAGTCGAGATAGAGGTTGAGTTGGACAGGGAGGAAGAACCGAC[A>G]GAACCCATCATAGAGGTTCCCACTTCCTTTTCTGCCCAACAGATATGGGTAAGAGATACC-3'
Protein context (NP_067047.4, residues 735-755): EVELDREEEP[Thr745=]EPIIEVPTSF